The following is an entry in ClinVar:

ClinVar aggregate classification (germline): Uncertain significance. Review status: criteria provided, multiple submitters, no conflicts (2 of 4 stars). 2 submissions from 2 submitters: Uncertain significance (2). Last evaluated 2022-08-10.

Conditions:
Leber congenital amaurosis 13 (LCA13). Identifiers: MedGen C2675186, MONDO:0012990, OMIM 612712.

Allele frequency attached by ClinVar (database versions not stated): gnomAD exomes below 0.00001; ExAC 0.00001; gnomAD 0.00001; TOPMed 0.00001.
gnomAD v4.1: 2 of 1,614,040 alleles (0.00012%); highest among the groups gnomAD compares: Admixed American, 0.0033%; no homozygotes.

Submissions (2):

Labcorp Genetics (formerly Invitae), Labcorp
Classification: Uncertain significance for Leber congenital amaurosis 13. Last evaluated: 2022-08-10. Review status: criteria provided, single submitter. Criteria: Invitae Variant Classification Sherloc (09022015). Collection method: clinical testing. Allele origin: germline.
Comment: This sequence change replaces serine, which is neutral and polar, with phenylalanine, which is neutral and non-polar, at codon 90 of the RDH12 protein (p.Ser90Phe). This variant is present in population databases (rs763945956, gnomAD 0.003%). This variant has not been reported in the literature in individuals affected with RDH12-related conditions. ClinVar contains an entry for this variant (Variation ID: 1520450). Algorithms developed to predict the effect of missense changes on protein structure and function are either unavailable or do not agree on the potential impact of this missense change (SIFT: "Deleterious"; PolyPhen-2: "Probably Damaging"; Align-GVGD: "Class C0"). In summary, the available evidence is currently insufficient to determine the role of this variant in disease. Therefore, it has been classified as a Variant of Uncertain Significance.

Blueprint Genetics
Classification: Uncertain significance. Last evaluated: 2022-05-17. Review status: criteria provided, single submitter. Criteria: ACMG Guidelines, 2015. Collection method: clinical testing. Allele origin: germline.

NM_152443.3(RDH12):c.269C>T (p.Ser90Phe)

Genes: GPHN (gephyrin; plus strand), RDH12 (retinol dehydrogenase 12; plus strand). Cytogenetic location: 14q24.1.
Variant type: single nucleotide variant.
Coding change: c.269C>T on transcript NM_152443.3 (MANE Select); coding-DNA position 269, C replaced by T.
Protein change: p.Ser90Phe; replaces serine 90 with phenylalanine.
Molecular consequence: missense variant.
Genome position (GRCh38, 1-based): chr14:67,725,180, C>T. VCF-style: chr14-67725180-C-T. GRCh37 (hg19) VCF-style: chr14-68191897-C-T.
Other names: short protein forms S90F.
Identifiers: ClinVar variation 1520450 (VCV001520450.6), dbSNP rs763945956, ClinGen allele CA7238656.
Genomic context (GRCh38, chr14:67,725,180, plus strand): 5'-GCAGAGATGTACTGAAGGGGGAGTCTGCTGCCAGTGAAATCCGAGTGGATACAAAGAACT[C>T]CCAGGTGCTGGTGCGGAAATTGGACCTATCCGACACCAAATCTATCCGAGCCTTTGCTGA-3'
Protein context (NP_689656.2, residues 80-100): ASEIRVDTKN[Ser90Phe]QVLVRKLDLS